The following is an entry in ClinVar:

NM_005391.5(PDK3):c.1218dup (p.Ter407ValextTer?)

Gene: PDK3 (pyruvate dehydrogenase kinase 3; plus strand). Cytogenetic location: Xp22.11.
Variant type: Duplication.
Coding change: c.1218dup on transcript NM_005391.5 (MANE Select); coding-DNA position 1218, one base duplicated (G; older notation c.1218dupG).
Protein change: p.Ter407ValextTer?.
Molecular consequence: frameshift variant, stop lost. On other transcripts: splice donor variant (1).
Genome position (GRCh38, 1-based): chrX:24,534,069, G duplicated. VCF-style (leftmost placement, unchanged base first): chrX-24534068-A-AG. GRCh37 (hg19) VCF-style: chrX-24552185-A-AG.
Other names: c.1217+1dup (NM_001142386.3).
Identifiers: ClinVar variation 1377962 (VCV001377962.8), dbSNP rs2148204361, ClinGen allele CA2573158487.

ClinVar aggregate classification (germline): Uncertain significance (1 of 4 stars; one submission).

Conditions:
Charcot-Marie-Tooth disease X-linked dominant 6. Also called: CHARCOT-MARIE-TOOTH NEUROPATHY, X-LINKED DOMINANT, 6. Identifiers: Orphanet 352675, MedGen C3806702, MONDO:0010479, OMIM 300905.

Submission:

Labcorp Genetics (formerly Invitae), Labcorp
Classification: Uncertain significance for Charcot-Marie-Tooth disease X-linked dominant 6. Last evaluated: 2020-10-30. Review status: criteria provided, single submitter. Criteria: Invitae Variant Classification Sherloc (09022015). Collection method: clinical testing. Allele origin: germline.
Comment: In summary, the available evidence is currently insufficient to determine the role of this variant in disease. Therefore, it has been classified as a Variant of Uncertain Significance. Algorithms developed to predict the effect of sequence changes on RNA splicing suggest that this variant may disrupt the consensus splice site, but this prediction has not been confirmed by published transcriptional studies. This variant has not been reported in the literature in individuals with PDK3-related conditions. This variant is not present in population databases (ExAC no frequency). This sequence change affects a donor splice site in intron 11 of the PDK3 gene. It is expected to disrupt RNA splicing. Variants that disrupt the donor or acceptor splice site typically lead to a loss of protein function (PMID: 16199547), however the current clinical and genetic evidence is not sufficient to establish whether loss-of-function variants in PDK3 cause disease.

Literature cited by the submitters: PubMed 16199547.